The following is an entry in ClinVar:

NM_000501.4(ELN):c.1097-3C>T

Gene: ELN (elastin; plus strand). Cytogenetic location: 7q11.23.
Variant type: single nucleotide variant.
Coding change: c.1097-3C>T on transcript NM_000501.4 (MANE Select); 3 bases into the intron before coding-DNA position 1097, C replaced by T.
Molecular consequence: intron variant.
Genome position (GRCh38, 1-based): chr7:74,054,713, C>T. VCF-style: chr7-74054713-C-T. GRCh37 (hg19) VCF-style: chr7-73469043-C-T.
Other names: c.1112-3C>T (NM_001081754.3, NM_001081753.3); c.1097-3C>T (NM_001278939.2, NM_001278915.2, NM_001278912.2 and 1 more transcripts); c.1055-3C>T (NM_001278916.2); c.989-3C>T (NM_001278913.2); c.1082-3C>T (NM_001278914.2); c.1067-3C>T (NM_001278917.2, NM_001081752.3); c.965-3C>T (NM_001278918.2).
Identifiers: ClinVar variation 1360278 (VCV001360278.6), dbSNP rs782265101, ClinGen allele CA4292851.

ClinVar aggregate classification (germline): Uncertain significance (1 of 4 stars; one submission).

Conditions:
Supravalvar aortic stenosis (SVAS). Also called: Supravalvar aortic stenosis, Eisenberg type. Identifiers: Orphanet 3193, MedGen C0003499, MONDO:0008504, OMIM 185500, HP:0004381.

Allele frequency attached by ClinVar (database versions not stated): TOPMed below 0.00001; ExAC 0.00001; gnomAD 0.00002; gnomAD exomes 0.00002.
gnomAD v4.1: 35 of 1,614,040 alleles (0.0022%); highest among the groups gnomAD compares: African/African-American, 0.004%; no homozygotes.

Submission:

Labcorp Genetics (formerly Invitae), Labcorp
Classification: Uncertain significance for Supravalvar aortic stenosis. Last evaluated: 2021-11-07. Review status: criteria provided, single submitter. Criteria: Invitae Variant Classification Sherloc (09022015). Collection method: clinical testing. Allele origin: germline.
Comment: This sequence change falls in intron 18 of the ELN gene. It does not directly change the encoded amino acid sequence of the ELN protein. It affects a nucleotide within the consensus splice site. This variant is present in population databases (rs782265101, gnomAD 0.004%). This variant has not been reported in the literature in individuals affected with ELN-related conditions. Variants that disrupt the consensus splice site are a relatively common cause of aberrant splicing (PMID: 17576681, 9536098). In summary, the available evidence is currently insufficient to determine the role of this variant in disease. Therefore, it has been classified as a Variant of Uncertain Significance.

Literature cited by the submitters: PubMed 17576681; PubMed 9536098.